The following is an entry in ClinVar:

NM_001083961.2(WDR62):c.2991C>T (p.Ala997=)

Gene: WDR62 (WD repeat domain 62; plus strand). Cytogenetic location: 19q13.12.
Variant type: single nucleotide variant.
Coding change: c.2991C>T on transcript NM_001083961.2 (MANE Select); coding-DNA position 2991, C replaced by T.
Protein change: p.Ala997=; no amino-acid change (alanine 997 retained).
Molecular consequence: synonymous variant.
Genome position (GRCh38, 1-based): chr19:36,101,683, C>T. VCF-style: chr19-36101683-C-T. GRCh37 (hg19) VCF-style: chr19-36592585-C-T.
Other names: p.A997A:GCC>GCT; p.Ala997=; c.2991C>T, p.Ala997= (NM_173636.5).
Identifiers: ClinVar variation 137910 (VCV000137910.25), dbSNP rs77898819, ClinGen allele CA173923.

ClinVar aggregate classification (germline): Benign/Likely benign. Review status: criteria provided, multiple submitters, no conflicts (2 of 4 stars). 11 submissions from 11 submitters: Benign (8); Likely benign (2). 1 of the submissions does not count toward it. Last evaluated 2026-01-25.

Conditions:
Microcephaly 2, primary, autosomal recessive, with or without cortical malformations. Also called: WDR62 Primary Microcephaly; MICROCEPHALY 2, PRIMARY, AUTOSOMAL RECESSIVE, WITH CORTICAL MALFORMATIONS. Identifiers: Orphanet 2512, MedGen C1858535, MONDO:0011435, OMIM 604317.

Allele frequency attached by ClinVar (database versions not stated): TOPMed 0.01050; 1000 Genomes Project 0.01378; 1000 Genomes Project 30x 0.01437; ExAC 0.02578; ESP Exome Variant Server 0.00755; gnomAD 0.00804.
gnomAD v4.1: 13,647 of 1,550,910 alleles (0.88%); highest among the groups gnomAD compares: South Asian, 4%; 152 homozygotes.

Submissions (11):

Labcorp Genetics (formerly Invitae), Labcorp
Classification: Benign. Last evaluated: 2026-01-25. Review status: criteria provided, single submitter. Criteria: Invitae Variant Classification Sherloc (09022015). Collection method: clinical testing. Allele origin: germline.

Genome-Nilou Lab
Classification: Benign for Microcephaly 2, primary, autosomal recessive, with or without cortical malformations. Last evaluated: 2021-12-05. Review status: criteria provided, single submitter. Criteria: ACMG Guidelines, 2015. Collection method: clinical testing. Allele origin: germline. Affected: no.

Mayo Clinic Laboratories, Mayo Clinic
Classification: Benign. Last evaluated: 2019-03-26. Review status: criteria provided, single submitter. Criteria: ACMG Guidelines, 2015. Collection method: clinical testing. Allele origin: germline. Observed: 18 variant alleles.

Athena Diagnostics
Classification: Benign. Last evaluated: 2018-11-20. Review status: criteria provided, single submitter. Criteria: Athena Diagnostics Criteria. Collection method: clinical testing. Allele origin: germline.

Illumina Laboratory Services, Illumina
Classification: Benign for Microcephaly 2, primary, autosomal recessive, with or without cortical malformations. Last evaluated: 2018-01-13. Review status: criteria provided, single submitter. Criteria: ICSL Variant Classification Criteria 13 December 2019. Collection method: clinical testing. Allele origin: germline.
Comment: This variant was observed in the ICSL laboratory as part of a predisposition screen in an ostensibly healthy population. It had not been previously curated by ICSL or reported in the Human Gene Mutation Database (HGMD: prior to June 1st, 2018), and was therefore a candidate for classification through an automated scoring system. Utilizing variant allele frequency, disease prevalence and penetrance estimates, and inheritance mode, an automated score was calculated to assess if this variant is too frequent to cause the disease. Based on the score and internal cut-off values, a variant classified as benign is not then subjected to further curation. The score for this variant resulted in a classification of benign for this disease.

Clinical Genetics DNA and cytogenetics Diagnostics Lab, Erasmus MC, Erasmus Medical Center
Classification: Likely benign for Microcephaly 2, primary, autosomal recessive, with or without cortical malformations. Last evaluated: 2017-06-28. Review status: criteria provided, single submitter. Criteria: ACGS Guidelines, 2013. Collection method: clinical testing. Allele origin: germline. Affected: yes. Study: VKGL Data-share Consensus.

Eurofins Ntd Llc (ga)
Classification: Benign. Last evaluated: 2014-11-12. Review status: criteria provided, single submitter. Criteria: EGL Classification Definitions 2015. Collection method: clinical testing. Allele origin: germline. Observed: 3 variant alleles, 3 heterozygotes.

GeneDx
Classification: Benign. Last evaluated: 2014-05-09. Review status: criteria provided, single submitter. Criteria: GeneDx Variant Classification (06012015). Collection method: clinical testing. Allele origin: germline. Affected: yes.
Comment: This variant is considered likely benign or benign based on one or more of the following criteria: it is a conservative change, it occurs at a poorly conserved position in the protein, it is predicted to be benign by multiple in silico algorithms, and/or has population frequency not consistent with disease.

Genetic Services Laboratory, University of Chicago
Classification: Benign. Last evaluated: 2013-03-27. Review status: criteria provided, single submitter. Criteria: ACMG Guidelines, 2007. Collection method: clinical testing. Allele origin: germline. Inheritance: Autosomal recessive inheritance.

Breakthrough Genomics
Classification: Likely benign. Review status: criteria provided, single submitter. Criteria: ACMG Guidelines, 2015. Collection method: not provided. Allele origin: germline. Inheritance: Autosomal recessive inheritance. Affected: yes.

Diagnostic Laboratory, Department of Genetics, University Medical Center Groningen
Classification: Benign for Microcephaly 2, primary, autosomal recessive, with or without cortical malformations. Review status: no assertion criteria provided. Collection method: clinical testing. Allele origin: germline. Affected: yes. Study: VKGL Data-share Consensus. Not counted in ClinVar's aggregate classification.